The following is an entry in ClinVar:

NM_172240.3(POC1B):c.1431A>C (p.Lys477Asn)

Genes: POC1B (POC1 centriolar protein B; minus strand), POC1B-DUSP6 (POC1B-DUSP6 readthrough; minus strand). Cytogenetic location: 12q21.33.
Variant type: single nucleotide variant.
Coding change: c.1431A>C on transcript NM_172240.3 (MANE Select); coding-DNA position 1431, A replaced by C.
Protein change: p.Lys477Asn; replaces lysine 477 with asparagine.
Molecular consequence: missense variant. On other transcripts: non-coding transcript variant (2).
Genome position (GRCh38, 1-based): chr12:89,421,159, T>G on the plus strand (A>C on the coding strand, the complement: POC1B is on the minus strand). VCF-style: chr12-89421159-T-G. GRCh37 (hg19) VCF-style: chr12-89814936-T-G.
Other names: c.1305A>C, p.Lys435Asn (NM_001199777.2); short protein forms K435N, K477N.
Identifiers: ClinVar variation 1503729 (VCV001503729.8), dbSNP rs2120629891, ClinGen allele CA385982980.

ClinVar aggregate classification (germline): Uncertain significance (1 of 4 stars; one submission).

Submission:

Labcorp Genetics (formerly Invitae), Labcorp
Classification: Uncertain significance. Last evaluated: 2022-11-15. Review status: criteria provided, single submitter. Criteria: Invitae Variant Classification Sherloc (09022015). Collection method: clinical testing. Allele origin: germline.
Comment: Algorithms developed to predict the effect of missense changes on protein structure and function (SIFT, PolyPhen-2, Align-GVGD) all suggest that this variant is likely to be tolerated. This sequence change replaces lysine, which is basic and polar, with asparagine, which is neutral and polar, at codon 477 of the POC1B protein (p.Lys477Asn). This variant is not present in population databases (gnomAD no frequency). This variant has not been reported in the literature in individuals affected with POC1B-related conditions. ClinVar contains an entry for this variant (Variation ID: 1503729). In summary, the available evidence is currently insufficient to determine the role of this variant in disease. Therefore, it has been classified as a Variant of Uncertain Significance.